The following is an entry in ClinVar:

ClinVar aggregate classification (germline): Uncertain significance (1 of 4 stars; one submission).

Submission:

Ambry Genetics
Classification: Uncertain significance. Last evaluated: 2023-06-25. Review status: criteria provided, single submitter. Criteria: Ambry Variant Classification Scheme 2023. Collection method: clinical testing. Allele origin: germline.
Comment: The p.H1225Y variant (also known as c.3673C>T), located in coding exon 6 of the MLH3 gene, results from a C to T substitution at nucleotide position 3673. The histidine at codon 1225 is replaced by tyrosine, an amino acid with similar properties. This amino acid position is conserved. In addition, this alteration is predicted to be deleterious by in silico analysis. Since supporting evidence is limited at this time, the clinical significance of this alteration remains unclear.

NM_001040108.2(MLH3):c.3673C>T (p.His1225Tyr)

Gene: MLH3 (mutL homolog 3; minus strand). Cytogenetic location: 14q24.3.
Variant type: single nucleotide variant.
Coding change: c.3673C>T on transcript NM_001040108.2 (MANE Select); coding-DNA position 3673, C replaced by T.
Protein change: p.His1225Tyr; replaces histidine 1225 with tyrosine.
Molecular consequence: missense variant. On other transcripts: intron variant (1).
Genome position (GRCh38, 1-based): chr14:75,033,461, G>A on the plus strand (C>T on the coding strand, the complement: MLH3 is on the minus strand). VCF-style: chr14-75033461-G-A. GRCh37 (hg19) VCF-style: chr14-75500164-G-A.
Other names: c.3644-1282C>T (NM_014381.3); short protein forms H1225Y.
Identifiers: ClinVar variation 2625640 (VCV002625640.2), dbSNP rs1891185418, ClinGen allele CA390425393.